The following is an entry in ClinVar:

NM_001374736.1(DST):c.15910T>A (p.Ser5304Thr)

Gene: DST (dystonin; minus strand). Cytogenetic location: 6p12.1.
Variant type: single nucleotide variant.
Coding change: c.15910T>A on transcript NM_001374736.1 (MANE Select); coding-DNA position 15910, T replaced by A.
Protein change: p.Ser5304Thr; replaces serine 5304 with threonine.
Molecular consequence: missense variant.
Genome position (GRCh38, 1-based): chr6:56,552,882, A>T on the plus strand (T>A on the coding strand, the complement: DST is on the minus strand). VCF-style: chr6-56552882-A-T. GRCh37 (hg19) VCF-style: chr6-56417680-A-T.
Other names: c.9553T>A, p.Ser3185Thr (NM_001144769.5); c.9139T>A, p.Ser3047Thr (NM_001144770.2); c.15910T>A, p.Ser5304Thr (NM_001374722.1); c.15277T>A, p.Ser5093Thr (NM_001374729.1); c.9019T>A, p.Ser3007Thr (NM_001374730.1, NM_001386100.1, NM_183380.4); c.15937T>A, p.Ser5313Thr (NM_001374734.1); c.8041T>A, p.Ser2681Thr (NM_015548.5); short protein forms S2681T, S3007T, S3047T, S3185T, S5093T, S5304T, S5313T.
Identifiers: ClinVar variation 5040390 (VCV005040390.1).

ClinVar aggregate classification (germline): Likely benign (1 of 4 stars; one submission).

gnomAD v4.1: 1 of 1,613,988 alleles (0.000062%); highest among the groups gnomAD compares: Non-Finnish European, 0.000085%; no homozygotes.

Submission:

CeGaT Center for Human Genetics Tuebingen
Classification: Likely benign. Last evaluated: 2026-07-01. Review status: criteria provided, single submitter. Criteria: CeGaT Center For Human Genetics Tuebingen Variant Classification Criteria Version 2. Collection method: clinical testing. Allele origin: germline. Affected: yes. Observed: 1 variant allele.
Comment: DST: BP4